The following is an entry in ClinVar:

ClinVar aggregate classification (germline): Uncertain significance (0 of 4 stars; one submission).

Conditions:
EPHA2-related disorder. Also called: EPHA2-related condition.

Submission:

PreventionGenetics, part of Exact Sciences
Classification: Uncertain significance for EPHA2-related condition. Last evaluated: 2024-02-12. Review status: no assertion criteria provided. Collection method: clinical testing. Allele origin: germline.
Comment: The EPHA2 c.2725G>A variant is predicted to result in the amino acid substitution p.Val909Met. To our knowledge, this variant has not been reported in the literature or in a large population database, indicating this variant is rare. At this time, the clinical significance of this variant is uncertain due to the absence of conclusive functional and genetic evidence.

NM_004431.5(EPHA2):c.2725G>A (p.Val909Met)

Gene: EPHA2 (EPH receptor A2; minus strand). Cytogenetic location: 1p36.13.
Variant type: single nucleotide variant.
Coding change: c.2725G>A on transcript NM_004431.5 (MANE Select); coding-DNA position 2725, G replaced by A.
Protein change: p.Val909Met; replaces valine 909 with methionine.
Molecular consequence: missense variant.
Genome position (GRCh38, 1-based): chr1:16,129,534, C>T on the plus strand (G>A on the coding strand, the complement: EPHA2 is on the minus strand). VCF-style: chr1-16129534-C-T. GRCh37 (hg19) VCF-style: chr1-16456029-C-T.
Other names: c.2563G>A, p.Val855Met (NM_001329090.2); short protein forms V855M, V909M.
Identifiers: ClinVar variation 3061334 (VCV003061334.2), dbSNP rs2024534953, ClinGen allele CA338616001.
Genomic context (GRCh38, chr1:16,129,534, plus strand): 5'-CGGCCGCCATGAAGTGCTCCGTATACTGCTGCATCTTGATGGACTCCAGCCACTCGGACA[C>T]CGTGCGGAAGGGCACCCCCTCCGAGCCGCTCGTGCTGGGGAGCCGGATAGACACGCTGCA-3'
Protein context (NP_004422.2, residues 899-919): SGSEGVPFRT[Val909Met]SEWLESIKMQ